The following is an entry in ClinVar:

ClinVar aggregate classification (germline): Uncertain significance (1 of 4 stars; one submission).

Allele frequency attached by ClinVar (database versions not stated): TOPMed below 0.00001.

Submission:

Labcorp Genetics (formerly Invitae), Labcorp
Classification: Uncertain significance. Last evaluated: 2022-05-27. Review status: criteria provided, single submitter. Criteria: Invitae Variant Classification Sherloc (09022015). Collection method: clinical testing. Allele origin: germline.
Comment: This variant has not been reported in the literature in individuals affected with GNPTG-related conditions. Algorithms developed to predict the effect of missense changes on protein structure and function are either unavailable or do not agree on the potential impact of this missense change (SIFT: "Tolerated"; PolyPhen-2: "Possibly Damaging"; Align-GVGD: "Class C0"). Algorithms developed to predict the effect of sequence changes on RNA splicing suggest that this variant may create or strengthen a splice site. In summary, the available evidence is currently insufficient to determine the role of this variant in disease. Therefore, it has been classified as a Variant of Uncertain Significance. This sequence change replaces isoleucine, which is neutral and non-polar, with phenylalanine, which is neutral and non-polar, at codon 104 of the GNPTG protein (p.Ile104Phe). This variant is not present in population databases (gnomAD no frequency). ClinVar contains an entry for this variant (Variation ID: 1428811).

NM_032520.5(GNPTG):c.310A>T (p.Ile104Phe)

Gene: GNPTG (N-acetylglucosamine-1-phosphate transferase subunit gamma; plus strand). Cytogenetic location: 16p13.3.
Variant type: single nucleotide variant.
Coding change: c.310A>T on transcript NM_032520.5 (MANE Select); coding-DNA position 310, A replaced by T.
Protein change: p.Ile104Phe; replaces isoleucine 104 with phenylalanine.
Molecular consequence: missense variant.
Genome position (GRCh38, 1-based): chr16:1,361,948, A>T. VCF-style: chr16-1361948-A-T. GRCh37 (hg19) VCF-style: chr16-1411949-A-T.
Other names: short protein forms I104F.
Identifiers: ClinVar variation 1428811 (VCV001428811.8), dbSNP rs2034892317, ClinGen allele CA394187047.
Genomic context (GRCh38, chr16:1,361,948, plus strand): 5'-TGCCCGTTCCACAACGTGACCCAGCACGAGCAGACCTTCCGCTGGAACGCCTACAGTGGG[A>T]TCCTCGGGTGAGTGGGGCCGGGGCAGGGATCCCAAAGCAGCAGCGCAGCTCCCCACCCGG-3'
Protein context (NP_115909.1, residues 94-114): QTFRWNAYSG[Ile104Phe]LGIWHEWEIA